The following is an entry in ClinVar:

NM_006439.5(MAB21L2):c.657C>A (p.Thr219=)

Genes: LRBA (LPS responsive beige-like anchor protein; minus strand), MAB21L2 (mab-21 like 2; plus strand). Cytogenetic location: 4q31.3.
Variant type: single nucleotide variant.
Coding change: c.657C>A on transcript NM_006439.5 (MANE Select); coding-DNA position 657, C replaced by A.
Protein change: p.Thr219=; no amino-acid change (threonine 219 retained).
Molecular consequence: synonymous variant. On other transcripts: intron variant (6).
Genome position (GRCh38, 1-based): chr4:150,583,686, C>A. VCF-style: chr4-150583686-C-A. GRCh37 (hg19) VCF-style: chr4-151504838-C-A.
Other names: c.6330+4362G>T (NM_001367550.1, NM_001199282.3, NM_001364905.1 and 1 more transcripts); c.6363+4362G>T (NM_006726.5, NM_001440430.1).
Identifiers: ClinVar variation 3041866 (VCV003041866.2), dbSNP rs148537581, ClinGen allele CA3102085.

ClinVar aggregate classification (germline): Likely benign (0 of 4 stars; one submission).

Conditions:
MAB21L2-related disorder. Also called: MAB21L2-related condition.

Allele frequency attached by ClinVar (database versions not stated): ESP Exome Variant Server 0.00008.
gnomAD v4.1: 44 of 1,613,586 alleles (0.0027%); highest among the groups gnomAD compares: African/African-American, 0.019%; no homozygotes.

Submission:

PreventionGenetics, part of Exact Sciences
Classification: Likely benign for MAB21L2-related condition. Last evaluated: 2019-05-22. Review status: no assertion criteria provided. Collection method: clinical testing. Allele origin: germline.
Comment: This variant is classified as likely benign based on ACMG/AMP sequence variant interpretation guidelines (Richards et al. 2015 PMID: 25741868, with internal and published modifications).